The following is an entry in ClinVar:

ClinVar aggregate classification (germline): Likely pathogenic (1 of 4 stars; one submission).

Conditions:
JAG1-related disorder. Also called: JAG1-related disorders; JAG1-related condition.

Submissions (2):

Blueprint Genetics
Classification: Likely pathogenic for JAG1-related disorders. Last evaluated: 2017-10-31. Review status: criteria provided, single submitter. Criteria: ACMG Guidelines, 2015. Collection method: clinical testing. Allele origin: germline. Affected: yes. Observed: 1 variant allele.

Gilbert/Spinner Lab, Children's Hospital of Philadelphia
No classification provided (evidence only). Condition: Alagille syndrome. Review status: no classification provided. Collection method: research. Allele origin: not applicable. Functional consequence: functionally_abnormal. Not counted in ClinVar's aggregate classification.
ClinVar note: "not provided" was previously submitted as the classification for the variant. However, the classification appeared to be based only on an observation of functional data so it was converted to no classification on 2025-07-30.

NM_000214.3(JAG1):c.407T>G (p.Val136Gly)

Gene: JAG1 (jagged canonical Notch ligand 1; minus strand). Cytogenetic location: 20p12.2.
Variant type: single nucleotide variant.
Coding change: c.407T>G on transcript NM_000214.3 (MANE Select); coding-DNA position 407, T replaced by G.
Protein change: p.Val136Gly; replaces valine 136 with glycine.
Molecular consequence: missense variant.
Genome position (GRCh38, 1-based): chr20:10,663,995, A>C on the plus strand (T>G on the coding strand, the complement: JAG1 is on the minus strand). VCF-style: chr20-10663995-A-C. GRCh37 (hg19) VCF-style: chr20-10644643-A-C.
Other names: short protein forms V136G.
Identifiers: ClinVar variation 3573460 (VCV003573460.3).